The following is an entry in ClinVar:

ClinVar aggregate classification (germline): Uncertain significance (1 of 4 stars; one submission).

Conditions:
Hypertrophic cardiomyopathy 26. Also called: Cardiomyopathy, familial hypertrophic, 26. Identifiers: Orphanet 75249, MedGen C4310749, MONDO:0014883, OMIM 617047.
Distal myopathy with posterior leg and anterior hand involvement. Also called: WILLIAMS DISTAL MYOPATHY. Identifiers: Orphanet 63273, MedGen C3279722, MONDO:0013550, OMIM 614065.
Myofibrillar myopathy 5. Also called: Filaminopathy (type); FILAMINOPATHY, AUTOSOMAL DOMINANT. Identifiers: Orphanet 171445, MedGen C1836050, MONDO:0012289, OMIM 609524.

Submission:

Labcorp Genetics (formerly Invitae), Labcorp
Classification: Uncertain significance for Distal myopathy with posterior leg and anterior hand involvement; Myofibrillar myopathy 5; Hypertrophic cardiomyopathy 26. Last evaluated: 2025-01-27. Review status: criteria provided, single submitter. Criteria: Invitae Variant Classification Sherloc (09022015). Collection method: clinical testing. Allele origin: germline.
Comment: This sequence change replaces lysine, which is basic and polar, with glutamine, which is neutral and polar, at codon 514 of the FLNC protein (p.Lys514Gln). Information on the frequency of this variant in the gnomAD database is not available, as this variant may be reported differently in the database. This variant has not been reported in the literature in individuals affected with FLNC-related conditions. Experimental studies and prediction algorithms are not available or were not evaluated, and the functional significance of this variant is currently unknown. In summary, the available evidence is currently insufficient to determine the role of this variant in disease. Therefore, it has been classified as a Variant of Uncertain Significance.

NM_001458.5(FLNC):c.1539_1540delinsTC (p.Lys514Gln)

Gene: FLNC (filamin C; plus strand). Cytogenetic location: 7q32.1.
Variant type: Indel.
Coding change: c.1539_1540delinsTC on transcript NM_001458.5 (MANE Select); coding-DNA positions 1539 to 1540, CA replaced by TC.
Protein change: p.Lys514Gln; replaces lysine 514 with glutamine.
Molecular consequence: missense variant.
Genome position (GRCh38, 1-based): chr7:128,840,150-128,840,151, CA replaced by TC. VCF-style: chr7-128840150-CA-TC. GRCh37 (hg19) VCF-style: chr7-128480204-CA-TC.
Other names: c.1539_1540delinsTC, p.Lys514Gln (NM_001127487.2); short protein forms K514Q.
Identifiers: ClinVar variation 3760412 (VCV003760412.2).